The following is an entry in ClinVar:

NM_032806.6(POMGNT2):c.641C>G (p.Pro214Arg)

Gene: POMGNT2 (protein O-linked mannose N-acetylglucosaminyltransferase 2 (beta 1,4-); minus strand). Cytogenetic location: 3p22.1.
Variant type: single nucleotide variant.
Coding change: c.641C>G on transcript NM_032806.6 (MANE Select); coding-DNA position 641, C replaced by G.
Protein change: p.Pro214Arg; replaces proline 214 with arginine.
Molecular consequence: missense variant.
Genome position (GRCh38, 1-based): chr3:43,080,791, G>C on the plus strand (C>G on the coding strand, the complement: POMGNT2 is on the minus strand). VCF-style: chr3-43080791-G-C. GRCh37 (hg19) VCF-style: chr3-43122283-G-C.
Other names: short protein forms P214R.
Identifiers: ClinVar variation 2013297 (VCV002013297.4), dbSNP rs2528898662, ClinGen allele CA352302810.

ClinVar aggregate classification (germline): Uncertain significance (1 of 4 stars; one submission).

Conditions:
Muscular dystrophy-dystroglycanopathy (congenital with brain and eye anomalies), type a, 8 (MDDGA8). Also called: WALKER-WARBURG SYNDROME OR MUSCLE-EYE-BRAIN DISEASE, GTDC2-RELATED. Identifiers: Orphanet 899, MedGen C3553813, MONDO:0013904, OMIM 614830.

Allele frequency attached by ClinVar (database versions not stated): gnomAD exomes below 0.00001.
gnomAD v4.1: 1 of 1,614,022 alleles (0.000062%); highest among the groups gnomAD compares: Non-Finnish European, 0.000085%; no homozygotes.

Submission:

Labcorp Genetics (formerly Invitae), Labcorp
Classification: Uncertain significance for Muscular dystrophy-dystroglycanopathy (congenital with brain and eye anomalies), type a, 8. Last evaluated: 2022-07-02. Review status: criteria provided, single submitter. Criteria: Invitae Variant Classification Sherloc (09022015). Collection method: clinical testing. Allele origin: germline.
Comment: In summary, the available evidence is currently insufficient to determine the role of this variant in disease. Therefore, it has been classified as a Variant of Uncertain Significance. Algorithms developed to predict the effect of missense changes on protein structure and function (SIFT, PolyPhen-2, Align-GVGD) all suggest that this variant is likely to be disruptive. This variant has not been reported in the literature in individuals affected with POMGNT2-related conditions. This variant is not present in population databases (gnomAD no frequency). This sequence change replaces proline, which is neutral and non-polar, with arginine, which is basic and polar, at codon 214 of the POMGNT2 protein (p.Pro214Arg).